The following is an entry in ClinVar:

ClinVar aggregate classification (germline): Uncertain significance (1 of 4 stars; one submission).

Conditions:
Primary ciliary dyskinesia. Also called: Ciliary dyskinesia. Identifiers: Orphanet 244, MedGen C0008780, MONDO:0016575, HP:0012265.

Submission:

Labcorp Genetics (formerly Invitae), Labcorp
Classification: Uncertain significance for Primary ciliary dyskinesia. Last evaluated: 2023-12-14. Review status: criteria provided, single submitter. Criteria: Invitae Variant Classification Sherloc (09022015). Collection method: clinical testing. Allele origin: germline.
Comment: This sequence change replaces leucine, which is neutral and non-polar, with arginine, which is basic and polar, at codon 3522 of the DNAH5 protein (p.Leu3522Arg). This variant is not present in population databases (gnomAD no frequency). This missense change has been observed in individual(s) with clinical features of primary ciliary dyskinesia (Invitae). In at least one individual the data is consistent with being in trans (on the opposite chromosome) from a pathogenic variant. Advanced modeling of protein sequence and biophysical properties (such as structural, functional, and spatial information, amino acid conservation, physicochemical variation, residue mobility, and thermodynamic stability) has been performed at Invitae for this missense variant, however the output from this modeling did not meet the statistical confidence thresholds required to predict the impact of this variant on DNAH5 protein function. In summary, the available evidence is currently insufficient to determine the role of this variant in disease. Therefore, it has been classified as a Variant of Uncertain Significance.

NM_001369.3(DNAH5):c.10565T>G (p.Leu3522Arg)

Gene: DNAH5 (dynein axonemal heavy chain 5; minus strand). Cytogenetic location: 5p15.2.
Variant type: single nucleotide variant.
Coding change: c.10565T>G on transcript NM_001369.3 (MANE Select); coding-DNA position 10565, T replaced by G.
Protein change: p.Leu3522Arg; replaces leucine 3522 with arginine.
Molecular consequence: missense variant.
Genome position (GRCh38, 1-based): chr5:13,753,540, A>C on the plus strand (T>G on the coding strand, the complement: DNAH5 is on the minus strand). VCF-style: chr5-13753540-A-C. GRCh37 (hg19) VCF-style: chr5-13753649-A-C.
Other names: short protein forms L3522R.
Identifiers: ClinVar variation 2830249 (VCV002830249.3), dbSNP rs2546615879, ClinGen allele CA359192317.